The following is an entry in ClinVar:

NM_182914.3(SYNE2):c.6154G>C (p.Asp2052His)

Gene: SYNE2 (spectrin repeat containing nuclear envelope protein 2; plus strand). Cytogenetic location: 14q23.2.
Variant type: single nucleotide variant.
Coding change: c.6154G>C on transcript NM_182914.3 (MANE Select); coding-DNA position 6154, G replaced by C.
Protein change: p.Asp2052His; replaces aspartic acid 2052 with histidine.
Molecular consequence: missense variant.
Genome position (GRCh38, 1-based): chr14:64,025,323, G>C. VCF-style: chr14-64025323-G-C. GRCh37 (hg19) VCF-style: chr14-64492041-G-C.
Other names: c.6154G>C, p.Asp2052His (NM_015180.6); short protein forms D2052H.
Identifiers: ClinVar variation 2784778 (VCV002784778.3), dbSNP rs1358498209, ClinGen allele CA389946556.

ClinVar aggregate classification (germline): Uncertain significance (1 of 4 stars; one submission).

Conditions:
Emery-Dreifuss muscular dystrophy 5, autosomal dominant (EDMD5). Also called: EMERY-DREIFUSS MUSCULAR DYSTROPHY 5. Identifiers: Orphanet 261, MedGen C2751805, MONDO:0013072, OMIM 612999.

Allele frequency attached by ClinVar (database versions not stated): gnomAD 0.00001; TOPMed 0.00001.
gnomAD v4.1: 2 of 1,613,978 alleles (0.00012%); highest among the groups gnomAD compares: African/African-American, 0.0027%; no homozygotes.

Submission:

Labcorp Genetics (formerly Invitae), Labcorp
Classification: Uncertain significance for Emery-Dreifuss muscular dystrophy 5, autosomal dominant. Last evaluated: 2025-01-20. Review status: criteria provided, single submitter. Criteria: Invitae Variant Classification Sherloc (09022015). Collection method: clinical testing. Allele origin: germline.
Comment: This sequence change replaces aspartic acid, which is acidic and polar, with histidine, which is basic and polar, at codon 2052 of the SYNE2 protein (p.Asp2052His). This variant is not present in population databases (gnomAD no frequency). This variant has not been reported in the literature in individuals affected with SYNE2-related conditions. ClinVar contains an entry for this variant (Variation ID: 2784778). An algorithm developed to predict the effect of missense changes on protein structure and function (PolyPhen-2) suggests that this variant is likely to be disruptive. In summary, the available evidence is currently insufficient to determine the role of this variant in disease. Therefore, it has been classified as a Variant of Uncertain Significance.